The following is an entry in ClinVar:

NM_001365536.1(SCN9A):c.1699G>A (p.Glu567Lys)

Genes: SCN1A-AS1 (SCN1A and SCN9A antisense RNA 1; plus strand), SCN9A (sodium voltage-gated channel alpha subunit 9; minus strand). Cytogenetic location: 2q24.3.
Variant type: single nucleotide variant.
Coding change: c.1699G>A on transcript NM_001365536.1 (MANE Select); coding-DNA position 1699, G replaced by A.
Protein change: p.Glu567Lys; replaces glutamic acid 567 with lysine.
Molecular consequence: missense variant.
Genome position (GRCh38, 1-based): chr2:166,284,728, C>T on the plus strand (G>A on the coding strand, the complement: SCN9A is on the minus strand). VCF-style: chr2-166284728-C-T. GRCh37 (hg19) VCF-style: chr2-167141238-C-T.
Other names: c.1699G>A, p.Glu567Lys (NM_002977.4); short protein forms E567K.
Identifiers: ClinVar variation 1398392 (VCV001398392.6), dbSNP rs1553489877, ClinGen allele CA349083751.

ClinVar aggregate classification (germline): Uncertain significance (1 of 4 stars; one submission).

Conditions:
Generalized epilepsy with febrile seizures plus, type 7 (GEFSP7). Also called: GEFS+, TYPE 7. Identifiers: Orphanet 36387, MedGen C2751778, MONDO:0013470, OMIM 613863.
Neuropathy, hereditary sensory and autonomic, type 2A (HSAN2A). Also called: WNK1-Related HSAN2 (HSAN2A); HSAN IIA; MORVAN DISEASE; NEUROPATHY, CONGENITAL SENSORY; NEUROPATHY, HEREDITARY SENSORY RADICULAR, AUTOSOMAL RECESSIVE; NEUROPATHY, HEREDITARY SENSORY, TYPE IIA. Identifiers: Orphanet 970, MedGen C2752089, MONDO:0024309, OMIM 201300.

Submission:

Labcorp Genetics (formerly Invitae), Labcorp
Classification: Uncertain significance for Neuropathy, hereditary sensory and autonomic, type 2A; Generalized epilepsy with febrile seizures plus, type 7. Last evaluated: 2021-08-02. Review status: criteria provided, single submitter. Criteria: Invitae Variant Classification Sherloc (09022015). Collection method: clinical testing. Allele origin: germline.
Comment: This sequence change replaces glutamic acid with lysine at codon 567 of the SCN9A protein (p.Glu567Lys). The glutamic acid residue is highly conserved and there is a small physicochemical difference between glutamic acid and lysine. This variant is not present in population databases (ExAC no frequency). This variant has not been reported in the literature in individuals affected with SCN9A-related conditions. Algorithms developed to predict the effect of missense changes on protein structure and function are either unavailable or do not agree on the potential impact of this missense change (SIFT: "Tolerated"; PolyPhen-2: "Probably Damaging"; Align-GVGD: "Class C0"). In summary, the available evidence is currently insufficient to determine the role of this variant in disease. Therefore, it has been classified as a Variant of Uncertain Significance.